The following is an entry in ClinVar:

ClinVar aggregate classification (germline): Uncertain significance (1 of 4 stars; one submission).

Conditions:
NIK deficiency. Also called: Primary immunodeficiency with multifaceted aberrant lymphoid immunity. Identifiers: Orphanet 447731, MedGen C5680065, MONDO:0018642.

Allele frequency attached by ClinVar (database versions not stated): gnomAD 0.00001; TOPMed 0.00002; gnomAD exomes 0.00003.
gnomAD v4.1: 51 of 1,613,446 alleles (0.0032%); highest among the groups gnomAD compares: Non-Finnish European, 0.0041%; no homozygotes.

Submission:

Labcorp Genetics (formerly Invitae), Labcorp
Classification: Uncertain significance for NIK deficiency. Last evaluated: 2018-11-07. Review status: criteria provided, single submitter. Criteria: Invitae Variant Classification Sherloc (09022015). Collection method: clinical testing. Allele origin: germline.
Comment: In summary, the available evidence is currently insufficient to determine the role of this variant in disease. Therefore, it has been classified as a Variant of Uncertain Significance. Algorithms developed to predict the effect of missense changes on protein structure and function (SIFT, PolyPhen-2, Align-GVGD) all suggest that this variant is likely to be tolerated, but these predictions have not been confirmed by published functional studies and their clinical significance is uncertain. This variant has not been reported in the literature in individuals with MAP3K14-related disease. This variant is not present in population databases (ExAC no frequency). This sequence change replaces glycine with alanine at codon 699 of the MAP3K14 protein (p.Gly699Ala). The¬†glycine¬†residue is moderately conserved and there is a small physicochemical difference between¬†glycine¬†and¬†alanine.

NM_003954.5(MAP3K14):c.2096G>C (p.Gly699Ala)

Genes: MAP3K14-AS1 (MAP3K14 antisense RNA 1; plus strand), MAP3K14 (mitogen-activated protein kinase kinase kinase 14; minus strand), LOC126862575 (CDK7 strongly-dependent group 2 enhancer GRCh37_chr17:43344006-43345205; plus strand). Cytogenetic location: 17q21.31.
Variant type: single nucleotide variant.
Coding change: c.2096G>C on transcript NM_003954.5 (MANE Select); coding-DNA position 2096, G replaced by C.
Protein change: p.Gly699Ala; replaces glycine 699 with alanine.
Molecular consequence: missense variant.
Genome position (GRCh38, 1-based): chr17:45,267,636, C>G on the plus strand (G>C on the coding strand, the complement: MAP3K14 is on the minus strand). VCF-style: chr17-45267636-C-G. GRCh37 (hg19) VCF-style: chr17-43345003-C-G.
Other names: c.2096G>C, p.Gly699Ala (LRG_1222t1); short protein forms G699A.
Identifiers: ClinVar variation 665809 (VCV000665809.5), dbSNP rs755169552, ClinGen allele CA291055922.